The following is an entry in ClinVar:

ClinVar aggregate classification (germline): Uncertain significance (1 of 4 stars; one submission).

Conditions:
Primary dilated cardiomyopathy (DCM). Also called: Dilated Cardiomyopathy. Identifiers: Orphanet 217604, MedGen C0007193, MeSH D002311, MONDO:0005021, HP:0001644. Inheritance: Various modes of inheritance.
Hypertrophic cardiomyopathy. Also called: HYPERTROPHIC MYOCARDIOPATHY. Identifiers: Orphanet 217569, MedGen C0007194, MeSH D002312, MONDO:0005045, HP:0001639.

gnomAD v4.1: 2 of 1,614,110 alleles (0.00012%); highest among the groups gnomAD compares: African/African-American, 0.0013%; no homozygotes.

Submission:

Labcorp Genetics (formerly Invitae), Labcorp
Classification: Uncertain significance for Hypertrophic cardiomyopathy; Primary dilated cardiomyopathy. Last evaluated: 2025-03-29. Review status: criteria provided, single submitter. Criteria: Invitae Variant Classification Sherloc (09022015). Collection method: clinical testing. Allele origin: germline.
Comment: This sequence change replaces isoleucine, which is neutral and non-polar, with valine, which is neutral and non-polar, at codon 121 of the PDLIM3 protein (p.Ile121Val). This variant is present in population databases (no rsID available, gnomAD no frequency). This variant has not been reported in the literature in individuals affected with PDLIM3-related conditions. An algorithm developed to predict the effect of missense changes on protein structure and function outputs the following: PolyPhen-2: "Benign". The valine amino acid residue is found in multiple mammalian species, which suggests that this missense change does not adversely affect protein function. In summary, the available evidence is currently insufficient to determine the role of this variant in disease. Therefore, it has been classified as a Variant of Uncertain Significance.

NM_014476.6(PDLIM3):c.361A>G (p.Ile121Val)

Genes: PDLIM3 (PDZ and LIM domain 3; minus strand), LOC126807246 (BRD4-independent group 4 enhancer GRCh37_chr4:186434842-186436041; plus strand). Cytogenetic location: 4q35.1.
Variant type: single nucleotide variant.
Coding change: c.361A>G on transcript NM_014476.6 (MANE Select); coding-DNA position 361, A replaced by G.
Protein change: p.Ile121Val; replaces isoleucine 121 with valine.
Molecular consequence: missense variant. On other transcripts: intron variant (1).
Genome position (GRCh38, 1-based): chr4:185,514,307, T>C on the plus strand (A>G on the coding strand, the complement: PDLIM3 is on the minus strand). VCF-style: chr4-185514307-T-C. GRCh37 (hg19) VCF-style: chr4-186435461-T-C.
Other names: c.361A>G, p.Ile121Val (NM_001257962.2); c.124A>G, p.Ile42Val (NM_001257963.2); c.518+396A>G (NM_001114107.5); short protein forms I42V, I121V.
Identifiers: ClinVar variation 4794057 (VCV004794057.1).
Genomic context (GRCh38, chr4:185,514,307, plus strand): 5'-TCCACAGTCTCAGCGCTTATGACCTGCTTCGGCCCGGGATCACGAAAGGTTTGGGCCGAA[T>C]ATTATGCTTGTGTTCAAAGTAGTTCCCGTCCTGTGAAAACAAAGCGTTAAAAAGGCCCTC-3'
Protein context (NP_055291.2, residues 111-131): DGNYFEHKHN[Ile121Val]RPKPFVIPGR